The following is an entry in ClinVar:

ClinVar aggregate classification (germline): Pathogenic. Review status: criteria provided, multiple submitters, no conflicts (2 of 4 stars). 4 submissions from 4 submitters: Pathogenic (4). Last evaluated 2022-01-21.

Conditions:
Developmental and epileptic encephalopathy. Identifiers: MedGen C5779964, MONDO:0100620.
Severe myoclonic epilepsy in infancy (DRVT). Also called: SEVERE MYOCLONIC EPILEPSY OF INFANCY; DEVELOPMENTAL AND EPILEPTIC ENCEPHALOPATHY 6A; Severe Myoclonic Epilepsy in Infancy (SMEI); Epileptic encephalopathy, early infantile, 6 (Dravet syndrome); Dravet syndrome. Identifiers: Orphanet 33069, MedGen C0751122, MONDO:0100135, OMIM 607208.

Submissions (4):

MGZ Medical Genetics Center
Classification: Pathogenic for Severe myoclonic epilepsy in infancy. Last evaluated: 2022-01-21. Review status: criteria provided, single submitter. Criteria: ACMG Guidelines, 2015. Collection method: clinical testing. Allele origin: germline. Affected: yes. Observed: 1 variant allele.
Comment: ACMG criteria applied: PVS1, PS4_MOD, PM2_SUP

Labcorp Genetics (formerly Invitae), Labcorp
Classification: Pathogenic for Early-infantile DEE. Last evaluated: 2021-08-30. Review status: criteria provided, single submitter. Criteria: Invitae Variant Classification Sherloc (09022015). Collection method: clinical testing. Allele origin: germline.

Athena Diagnostics
Classification: Pathogenic. Last evaluated: 2020-10-02. Review status: criteria provided, single submitter. Criteria: Athena Diagnostics criteria. Collection method: clinical testing. Allele origin: unknown.
Comment: This variant is expected to severely impact normal RNA splicing, and consequently, protein structure and/or function. This variant has not been reported in large, multi-ethnic general populations. This variant appears to occur de novo in one individual with clinical features associated with this gene (PMID 17054684).

GeneDx
Classification: Pathogenic. Last evaluated: 2017-11-30. Review status: criteria provided, single submitter. Criteria: GeneDx Variant Classification (06012015). Collection method: clinical testing. Allele origin: germline. Affected: yes.
Comment: The c.4853-1 G>C splice site variant in the SCN1A gene has been reported previously as a de novo variant in association with severe myoclonic epilepsy of infancy (Mancardi et al., 2006; Ceulemans et al., 2012; SCN1A Variant Database). This pathogenic variant destroys the canonical splice acceptor site in intron 25, and is expected to cause abnormal gene splicing. Furthermore, this variant is not observed in large population cohorts (Lek et al., 2016). Therefore, the presence of this variant is consistent with the diagnosis of an SCN1A-related disorder in this individual.

Literature cited by the submitters: PubMed 17054684 (cited by Athena Diagnostics); PubMed 27197941 (cited by Athena Diagnostics); PubMed 31069529 (cited by Athena Diagnostics); PubMed 29408779 (cited by Athena Diagnostics).

NM_001165963.4(SCN1A):c.4853-1G>C

Genes: SCN1A (sodium voltage-gated channel alpha subunit 1; minus strand), LOC102724058 (uncharacterized LOC102724058; plus strand). Cytogenetic location: 2q24.3.
Variant type: single nucleotide variant.
Coding change: c.4853-1G>C on transcript NM_001165963.4 (MANE Select); the canonical splice acceptor site of the intron before coding-DNA position 4853, G replaced by C.
Molecular consequence: splice acceptor variant.
Genome position (GRCh38, 1-based): chr2:165,992,423, C>G on the plus strand (G>C on the coding strand, the complement: SCN1A is on the minus strand). VCF-style: chr2-165992423-C-G. GRCh37 (hg19) VCF-style: chr2-166848933-C-G.
Other names: c.4820-1G>C (NM_001353949.2, NM_001353950.2, NM_001353951.2 and 2 more transcripts); c.4769-1G>C (NM_001353958.2, NM_001353957.2, NM_001165964.3); c.4853-1G>C (NM_001202435.3, NM_001353948.2); c.4817-1G>C (NM_001353955.2, NM_001353954.2); c.4766-1G>C (NM_001353960.2); c.2411-1G>C (NM_001353961.2).
Identifiers: ClinVar variation 488727 (VCV000488727.10), dbSNP rs1553520530, ClinGen allele CA349070819.